The following is an entry in ClinVar:

NM_023110.3(FGFR1):c.1934C>T (p.Ala645Val)

Gene: FGFR1 (fibroblast growth factor receptor 1; minus strand). Cytogenetic location: 8p11.23.
Variant type: single nucleotide variant.
Coding change: c.1934C>T on transcript NM_023110.3 (MANE Select); coding-DNA position 1934, C replaced by T.
Protein change: p.Ala645Val; replaces alanine 645 with valine.
Molecular consequence: missense variant.
Genome position (GRCh38, 1-based): chr8:38,414,822, G>A on the plus strand (C>T on the coding strand, the complement: FGFR1 is on the minus strand). VCF-style: chr8-38414822-G-A. GRCh37 (hg19) VCF-style: chr8-38272340-G-A.
Other names: c.1928C>T, p.Ala643Val (NM_001174063.2, NM_001174065.2, NM_001354367.2 and 1 more transcripts); c.1904C>T, p.Ala635Val (NM_001174064.2); c.1667C>T, p.Ala556Val (NM_001174066.2, NM_023105.3); c.2027C>T, p.Ala676Val (NM_001174067.2); c.1655C>T, p.Ala552Val (NM_001354368.2); c.1922C>T, p.Ala641Val (NM_001354369.2); c.1661C>T, p.Ala554Val (NM_001354370.2, NM_023106.3); short protein forms A645V, A556V, A635V, A552V, A554V, A641V, A643V, A676V.
Identifiers: ClinVar variation 804803 (VCV000804803.3), dbSNP rs1586112776, ClinGen allele CA370730255.

ClinVar aggregate classification (germline): Conflicting classifications of pathogenicity. Review status: criteria provided, conflicting classifications (1 of 4 stars). 2 submissions from 2 submitters: Pathogenic (1); Uncertain significance (1). Last evaluated 2025-11-04.

Conditions:
Hartsfield-Bixler-Demyer syndrome (HRTFDS). Also called: Holoprosencephaly, ectrodactyly, and bilateral cleft lip/palate; FGFR1-Related Hartsfield Syndrome; Hartsfield syndrome. Identifiers: Orphanet 2117, MedGen C1845146, MONDO:0014196, OMIM 615465. Disease mechanism: loss of function.

Submissions (2):

Victorian Clinical Genetics Services, Murdoch Childrens Research Institute
Classification: Pathogenic for Hartsfield-Bixler-Demyer syndrome. Last evaluated: 2025-11-04. Review status: criteria provided, single submitter. Criteria: ACMG Guidelines, 2015. Collection method: clinical testing. Allele origin: germline. Affected: yes.
Comment: This variant is classified as Pathogenic. Evidence in support of pathogenic classification: Variant is absent from gnomAD (v2, v3 and v4); This variant has moderate previous evidence of pathogenicity in unrelated individuals. This variant has been reported as de novo in an individual with Hartsfield syndrome (PMID: 30787447) and has been classified as a VUS by one clinical diagnostic laboratory (ClinVar); This variant has moderate functional evidence supporting abnormal protein function. HEK293 cells transfected with the mutant transcript or co-transfected with both mutant and WT transcripts demonstrated perturbed downstream ERK1/2 phosphorylation and c-Fos expression compared to WT, suggesting receptor activity deregulation (PMID: 30787447); Missense variant predicted to be damaging by in silico tool(s) or highly conserved with a major amino acid change; Additional information: Variant is predicted to result in a missense amino acid change from Ala to Val; This variant is heterozygous; This gene is associated with autosomal dominant disease, with very rare reports of biallelic missense variants in patients with Hartsfield syndrome (PMID: 23812909). (I) - No published evidence of segregation with disease has been identified for this variant; Variant is located in the annotated protein tyrosine and serine/threonine kinase domain (DECIPHER); Loss of function, gain of function and dominant negative are known mechanisms of disease in this gene, and are associated with FGFR1-related disease. Loss of function missense variants and variants predicted to undergo nonsense-mediated decay have been reported to cause Hartsfield syndrome (MIM#615465) and hypogonadotropic hypogonadism 2 (MIM#147950). Gain of function missense variants have been reported to cause encephalocraniocutaneous lipomatosis, somatic mosaic (MIM#613001) and osteoglophonic dysplasia (MIM#166250). Dominant negative missense variants in the tyrosine kinase domain have been associated with Hartsfield syndrome (MIM#615465). Additional missense variants have been reported in patients with Jackson-Weiss syndrome (MIM#123150), Pfeiffer syndrome (MIM#101600) or trigonocephaly 1 (MIM#190440); however, the disease mechanism of these variants is unknown (OMIM, PMID: 18034870, 23812909, 26937548, 26942290; 30787447); The condition associated with this gene has incomplete penetrance. Incomplete penetrance has been reported for Hartsfield syndrome (MIM#615465) (PMID: 26937548); Loss of function variants in this gene are known to have variable expressivity (PMID: 23812909).

Athena Diagnostics
Classification: Uncertain significance. Last evaluated: 2020-06-02. Review status: criteria provided, single submitter. Criteria: Athena Diagnostics Criteria. Collection method: clinical testing. Allele origin: unknown.

Literature cited by the submitters: PubMed 30787447 (cited by Victorian Clinical Genetics Services, Murdoch Childrens Research Institute and Athena Diagnostics); PubMed 26942290 (cited by Victorian Clinical Genetics Services, Murdoch Childrens Research Institute); PubMed 23812909 (cited by Victorian Clinical Genetics Services, Murdoch Childrens Research Institute); PubMed 26937548 (cited by Victorian Clinical Genetics Services, Murdoch Childrens Research Institute); PubMed 18034870 (cited by Victorian Clinical Genetics Services, Murdoch Childrens Research Institute).